The following continues an entry in ClinVar:

NM_004004.6(GJB2):c.478G>A (p.Gly160Ser)

Gene: GJB2. ClinVar aggregate classification (germline): Conflicting classifications of pathogenicity. Uncertain significance (9); Benign (3); Likely benign (9).

Submissions 12 to 23 of 23:

CeGaT Center for Human Genetics Tuebingen
Classification: Likely benign. Last evaluated: 2020-06-01. Review status: criteria provided, single submitter. Criteria: CeGaT Center For Human Genetics Tuebingen Variant Classification Criteria Version 2. Collection method: clinical testing. Allele origin: germline. Affected: yes. Observed: 1 variant allele.

Baylor Genetics
Classification: Uncertain significance for Autosomal recessive nonsyndromic hearing loss 1A. Last evaluated: 2019-09-20. Review status: criteria provided, single submitter. Criteria: ACMG Guidelines, 2015. Collection method: clinical testing. Allele origin: unknown. Affected: yes.
Comment: This variant was determined to be of uncertain significance according to ACMG Guidelines, 2015 [PMID:25741868].

ARUP Laboratories, Molecular Genetics and Genomics, ARUP Laboratories
Classification: Uncertain significance. Last evaluated: 2019-09-16. Review status: criteria provided, single submitter. Criteria: ARUP Molecular Germline Variant Investigation Process. Collection method: clinical testing. Allele origin: germline.
Comment: The GJB2 c.478G>A; p.Gly160Ser variant (rs34988750) is reported heterozygously in several individuals with hearing loss who also carry one copy of a pathogenic GJB2 variant (Snoeckx 2005), but phase was not reported; however, p.Gly160Ser has also been reported in cis to a pathogenic GJB2 variant in several individuals (Zheng 2015). The p.Gly160Ser variant is found in the African population with an overall allele frequency of 0.22% (55/24922 alleles) in the Genome Aggregation Database and it is reported in ClinVar (Variation ID: 44755). The glycine at codon 160 is highly conserved, and computational analyses (SIFT: tolerated, PolyPhen-2: damaging) predict conflicting effects of this variant on protein structure/function. However, given the lack of clinical and functional data, the significance of the p.Gly160Ser variant is uncertain at this time. References: Snoeckx RL et al. GJB2 mutations and degree of hearing loss: a multicenter study. Am J Hum Genet. 2005 Dec;77(6):945-57. Zheng J et al. GJB2 Mutation Spectrum and Genotype-Phenotype Correlation in 1067 Han Chinese Subjects with Non-Syndromic Hearing Loss. PLoS One. 2015 Jun 4;10(6):e0128691.

Molecular Genetics Laboratory, BC Children's and BC Women's Hospitals
Classification: Uncertain significance for Non-syndromic hearing loss. Last evaluated: 2017-05-19. Review status: criteria provided, single submitter. Criteria: ACMG Guidelines, 2015. Collection method: clinical testing. Allele origin: germline. Affected: yes.
Comment: Reported in gene specific databases, ClinVar, and the scientific literature as benign. The evidence for this classification is unclear/not provided, but at least in some cases appears to be due to a reported control population allele frequency of 2% (Scott et al., 1998 PMID: 9600457). This variant is reported in population databases at frequencies of up to 0.22% (gnomAD, ExAC). In silico analyses predict an impact on the protein.

Illumina Laboratory Services, Illumina
Classification: Likely benign for Autosomal dominant nonsyndromic hearing loss 3A. Last evaluated: 2017-04-27. Review status: criteria provided, single submitter. Criteria: ICSL Variant Classification Criteria 13 December 2019. Collection method: clinical testing. Allele origin: germline.
Comment: This variant was observed as part of a predisposition screen in an ostensibly healthy population. A literature search was performed for the gene, cDNA change, and amino acid change (where applicable). Publications were found based on this search. The evidence from the literature, in combination with allele frequency data from public databases where available, was sufficient to determine this variant is unlikely to cause disease. Therefore, this variant is classified as likely benign.

Illumina Laboratory Services, Illumina
Classification: Likely benign for Autosomal dominant keratitis-ichthyosis-hearing loss syndrome. Last evaluated: 2017-04-27. Review status: criteria provided, single submitter. Criteria: ICSL Variant Classification Criteria 13 December 2019. Collection method: clinical testing. Allele origin: germline.
Comment: This variant was observed as part of a predisposition screen in an ostensibly healthy population. A literature search was performed for the gene, cDNA change, and amino acid change (where applicable). No publications were found based on this search. Allele frequency data from public databases allowed determination this variant is unlikely to cause disease. Therefore, this variant is classified as likely benign.

Illumina Laboratory Services, Illumina
Classification: Likely benign for Autosomal recessive nonsyndromic hearing loss 1A. Last evaluated: 2017-04-27. Review status: criteria provided, single submitter. Criteria: ICSL Variant Classification Criteria 13 December 2019. Collection method: clinical testing. Allele origin: germline.
Comment: the same text as in the submission from Illumina Laboratory Services, Illumina above.

Genetic Services Laboratory, University of Chicago
Classification: Benign. Last evaluated: 2013-02-08. Review status: criteria provided, single submitter. Criteria: ACMG Guidelines, 2007. Collection method: clinical testing. Allele origin: germline. Inheritance: Autosomal recessive inheritance.

Eurofins Ntd Llc (ga)
Classification: Benign. Last evaluated: 2012-12-18. Review status: criteria provided, single submitter. Criteria: EGL Classification Definitions 2015. Collection method: clinical testing. Allele origin: germline. Observed: 2 variant alleles, 2 heterozygotes.

Laboratory for Molecular Medicine, Mass General Brigham Personalized Medicine
Classification: Benign. Last evaluated: 2010-12-17. Review status: criteria provided, single submitter. Criteria: LMM Criteria. Collection method: clinical testing. Allele origin: germline. Observed: 7 variant alleles.
Comment: Gly160Ser in exon 2 of GJB2: This variant has been identified at a frequency of 0.1-0.5% in several studies of individuals with hearing loss (Janecke 2002, Bati ssoco 2008, Gasmelseed 2004, Ross 2007). However, in none of these individuals w as a second GJB2 variant identified. In addition, this variant has been identifi ed in 3/140 (2%) controls (Scott 1998, rs34988750). In summary, the Gly160Ser va riant is not expected to have clinical or pathological significance due to its o ccurrence at a lower frequency in cases compared to controls.

PreventionGenetics, part of Exact Sciences
Classification: Likely benign for GJB2-related condition. Last evaluated: 2021-03-05. Review status: no assertion criteria provided. Collection method: clinical testing. Allele origin: germline. Not counted in ClinVar's aggregate classification.
Comment: This variant is classified as likely benign based on ACMG/AMP sequence variant interpretation guidelines (Richards et al. 2015 PMID: 25741868, with internal and published modifications).

Counsyl
Classification: Uncertain significance for Autosomal recessive nonsyndromic hearing loss 1A. Last evaluated: 2018-04-09. Review status: no assertion criteria provided. Collection method: clinical testing. Allele origin: unknown. Not counted in ClinVar's aggregate classification.

Literature cited by the submitters: PubMed 12189487 (cited by 5 submitters); PubMed 15070423 (cited by 4 submitters); PubMed 19043807 (cited by 3 submitters); PubMed 21162657 (cited by 3 submitters); PubMed 30245029 (cited by Mayo Clinic Laboratories, Mayo Clinic and Women's Health and Genetics/Laboratory Corporation of America, LabCorp); PubMed 33096615 (cited by Mayo Clinic Laboratories, Mayo Clinic and Athena Diagnostics); PubMed 33288323 (cited by Mayo Clinic Laboratories, Mayo Clinic); PubMed 36048236 (cited by Mayo Clinic Laboratories, Mayo Clinic); PubMed 36579563 (cited by Mayo Clinic Laboratories, Mayo Clinic and Athena Diagnostics); PubMed 36597107 (cited by Mayo Clinic Laboratories, Mayo Clinic and Athena Diagnostics); PubMed 17041943 (cited by Women's Health and Genetics/Laboratory Corporation of America, LabCorp and Athena Diagnostics); PubMed 15365987 (cited by Women's Health and Genetics/Laboratory Corporation of America, LabCorp); PubMed 16380907 (cited by 4 submitters); PubMed 14722929 (cited by 3 submitters); PubMed 17426645 (cited by Women's Health and Genetics/Laboratory Corporation of America, LabCorp and Laboratory for Molecular Medicine, Mass General Brigham Personalized Medicine); PubMed 12172394 (cited by Women's Health and Genetics/Laboratory Corporation of America, LabCorp); PubMed 17666888 (cited by Women's Health and Genetics/Laboratory Corporation of America, LabCorp and Athena Diagnostics); PubMed 16222667 (cited by Women's Health and Genetics/Laboratory Corporation of America, LabCorp); PubMed 9600457 (cited by 4 submitters); PubMed 19371219 (cited by Women's Health and Genetics/Laboratory Corporation of America, LabCorp and Athena Diagnostics); PubMed 22695344 (cited by Women's Health and Genetics/Laboratory Corporation of America, LabCorp); PubMed 15832357 (cited by Women's Health and Genetics/Laboratory Corporation of America, LabCorp); PubMed 19235794 (cited by Women's Health and Genetics/Laboratory Corporation of America, LabCorp and Athena Diagnostics); PubMed 21366436 (cited by Women's Health and Genetics/Laboratory Corporation of America, LabCorp and Athena Diagnostics); PubMed 19125024 (cited by 3 submitters); PubMed 22103400 (cited by 3 submitters); PubMed 26043044 (cited by 3 submitters); PubMed 24737404 (cited by Women's Health and Genetics/Laboratory Corporation of America, LabCorp); PubMed 30466042 (cited by Women's Health and Genetics/Laboratory Corporation of America, LabCorp); PubMed 31569309 (cited by Women's Health and Genetics/Laboratory Corporation of America, LabCorp); PubMed 31620696 (cited by Women's Health and Genetics/Laboratory Corporation of America, LabCorp and Athena Diagnostics); PubMed 31992338 (cited by Women's Health and Genetics/Laboratory Corporation of America, LabCorp and Athena Diagnostics); PubMed 36672810 (cited by Athena Diagnostics); PubMed 24158611 (cited by INGEBI, INGEBI / CONICET); PubMed 19887791 (cited by Counsyl); PubMed 24529908 (cited by Counsyl); PubMed 11313763 (cited by Counsyl).